The following is an entry in ClinVar:

ClinVar aggregate classification (germline): Uncertain significance. Review status: criteria provided, single submitter (1 of 4 stars). 2 submissions from 2 submitters: Uncertain significance (1). 1 of the submissions does not count toward it. Last evaluated 2025-10-15.

Conditions:
Heterotopia, periventricular, X-linked dominant (PVNH1). Also called: PERIVENTRICULAR NODULAR HETEROTOPIA 4; HETEROTOPIA, PERIVENTRICULAR, 1; PERIVENTRICULAR NODULAR HETEROTOPIA 1; X-linked periventricular heterotopia. Identifiers: Orphanet 2149, Orphanet 82004, MedGen C1848213, MONDO:0010233, OMIM 300049.
Oto-palato-digital syndrome, type II (OPD2). Also called: Otopalatodigital Syndrome, Type II; OPD II SYNDROME; Otopalatodigital Syndrome Type 2 (FLNA-OPD2); FACIOPALATOOSSEOUS SYNDROME. Identifiers: Orphanet 669, Orphanet 90652, MedGen C1844696, MONDO:0010571, OMIM 304120.
Frontometaphyseal dysplasia (FMD1). Identifiers: Orphanet 1826, MedGen C0265293, MONDO:0015942.
Melnick-Needles syndrome (MNS). Also called: OSTEODYSPLASTY OF MELNICK AND NEEDLES; Melnick-Needles Syndrome (FLNA-MNS); MELNICK-NEEDLES OSTEODYSPLASTY. Identifiers: Orphanet 2484, MedGen C0025237, MONDO:0010650, OMIM 309350.
Intellectual disability. Also called: intellectual disabilities; Intellectual developmental disorder; Intellectual functioning disability. Identifiers: MedGen C3714756, MeSH D008607, MONDO:0001071, HP:0001249.

Allele frequency attached by ClinVar (database versions not stated): gnomAD 0.00001; TOPMed 0.00002; gnomAD exomes 0.00001.
gnomAD v4.1: 16 of 1,210,766 alleles (0.0013%); highest among the groups gnomAD compares: East Asian, 0.012%; no homozygotes.

Submissions (2):

Labcorp Genetics (formerly Invitae), Labcorp
Classification: Uncertain significance for Oto-palato-digital syndrome, type II; Heterotopia, periventricular, X-linked dominant; Frontometaphyseal dysplasia; Melnick-Needles syndrome. Last evaluated: 2025-10-15. Review status: criteria provided, single submitter. Criteria: Invitae Variant Classification Sherloc (09022015). Collection method: clinical testing. Allele origin: germline.
Comment: This sequence change replaces arginine, which is basic and polar, with histidine, which is basic and polar, at codon 1995 of the FLNA protein (p.Arg1995His). This variant is not present in population databases (gnomAD no frequency). This variant has not been reported in the literature in individuals affected with FLNA-related conditions. ClinVar contains an entry for this variant (Variation ID: 975703). Invitae Evidence Modeling of protein sequence and biophysical properties (such as structural, functional, and spatial information, amino acid conservation, physicochemical variation, residue mobility, and thermodynamic stability) indicates that this missense variant is not expected to disrupt FLNA protein function with a negative predictive value of 95%. In summary, the available evidence is currently insufficient to determine the role of this variant in disease. Therefore, it has been classified as a Variant of Uncertain Significance.

Centre de Biologie Pathologie Génétique, Centre Hospitalier Universitaire de Lille
Classification: Likely benign for Intellectual disability. Last evaluated: 2019-01-01. Review status: no assertion criteria provided. Collection method: clinical testing. Allele origin: inherited. Affected: yes. Not counted in ClinVar's aggregate classification.

NM_001110556.2(FLNA):c.6008G>A (p.Arg2003His)

Gene: FLNA (filamin A; minus strand). Cytogenetic location: Xq28.
Variant type: single nucleotide variant.
Coding change: c.6008G>A on transcript NM_001110556.2 (MANE Select); coding-DNA position 6008, G replaced by A.
Protein change: p.Arg2003His; replaces arginine 2003 with histidine.
Molecular consequence: missense variant.
Genome position (GRCh38, 1-based): chrX:154,353,310, C>T on the plus strand (G>A on the coding strand, the complement: FLNA is on the minus strand). VCF-style: chrX-154353310-C-T. GRCh37 (hg19) VCF-style: chrX-153581678-C-T.
Other names: c.5984G>A, p.Arg1995His (NM_001456.4); short protein forms R1995H, R2003H.
Identifiers: ClinVar variation 975703 (VCV000975703.2), dbSNP rs1182812659, ClinGen allele CA415197022.